The following is an entry in ClinVar:

NM_182914.3(SYNE2):c.12767A>G (p.Asn4256Ser)

Gene: SYNE2 (spectrin repeat containing nuclear envelope protein 2; plus strand). Cytogenetic location: 14q23.2.
Variant type: single nucleotide variant.
Coding change: c.12767A>G on transcript NM_182914.3 (MANE Select); coding-DNA position 12767, A replaced by G.
Protein change: p.Asn4256Ser; replaces asparagine 4256 with serine.
Molecular consequence: missense variant.
Genome position (GRCh38, 1-based): chr14:64,113,498, A>G. VCF-style: chr14-64113498-A-G. GRCh37 (hg19) VCF-style: chr14-64580216-A-G.
Other names: c.12767A>G, p.Asn4256Ser (NM_015180.6); short protein forms N4256S.
Identifiers: ClinVar variation 851347 (VCV000851347.9), dbSNP rs552966507, ClinGen allele CA261835678.

ClinVar aggregate classification (germline): Uncertain significance (1 of 4 stars; one submission).

Conditions:
Emery-Dreifuss muscular dystrophy 5, autosomal dominant (EDMD5). Also called: EMERY-DREIFUSS MUSCULAR DYSTROPHY 5. Identifiers: Orphanet 261, MedGen C2751805, MONDO:0013072, OMIM 612999.

Allele frequency attached by ClinVar (database versions not stated): gnomAD exomes below 0.00001; TOPMed below 0.00001; gnomAD 0.00001.
gnomAD v4.1: 2 of 1,614,060 alleles (0.00012%); highest among the groups gnomAD compares: Middle Eastern, 0.016%; no homozygotes.

Submission:

Labcorp Genetics (formerly Invitae), Labcorp
Classification: Uncertain significance for Emery-Dreifuss muscular dystrophy 5, autosomal dominant. Last evaluated: 2024-05-14. Review status: criteria provided, single submitter. Criteria: Invitae Variant Classification Sherloc (09022015). Collection method: clinical testing. Allele origin: germline.
Comment: This sequence change replaces asparagine, which is neutral and polar, with serine, which is neutral and polar, at codon 4256 of the SYNE2 protein (p.Asn4256Ser). This variant is present in population databases (rs552966507, gnomAD 0.0009%). This variant has not been reported in the literature in individuals affected with SYNE2-related conditions. ClinVar contains an entry for this variant (Variation ID: 851347). Algorithms developed to predict the effect of missense changes on protein structure and function output the following: SIFT: "Not Available"; PolyPhen-2: "Benign"; Align-GVGD: "Not Available". The serine amino acid residue is found in multiple mammalian species, which suggests that this missense change does not adversely affect protein function. In summary, the available evidence is currently insufficient to determine the role of this variant in disease. Therefore, it has been classified as a Variant of Uncertain Significance.